The following is an entry in ClinVar:

ClinVar aggregate classification (germline): Uncertain significance (1 of 4 stars; one submission).

Submission:

Labcorp Genetics (formerly Invitae), Labcorp
Classification: Uncertain significance. Last evaluated: 2022-08-22. Review status: criteria provided, single submitter. Criteria: Invitae Variant Classification Sherloc (09022015). Collection method: clinical testing. Allele origin: germline.
Comment: This sequence change replaces proline, which is neutral and non-polar, with arginine, which is basic and polar, at codon 1356 of the PTPN23 protein (p.Pro1356Arg). This variant is not present in population databases (gnomAD no frequency). This variant has not been reported in the literature in individuals affected with PTPN23-related conditions. Algorithms developed to predict the effect of missense changes on protein structure and function are either unavailable or do not agree on the potential impact of this missense change (SIFT: "Tolerated"; PolyPhen-2: "Probably Damaging"; Align-GVGD: "Class C0"). Algorithms developed to predict the effect of sequence changes on RNA splicing suggest that this variant may create or strengthen a splice site. In summary, the available evidence is currently insufficient to determine the role of this variant in disease. Therefore, it has been classified as a Variant of Uncertain Significance.

NM_015466.4(PTPN23):c.4067C>G (p.Pro1356Arg)

Gene: PTPN23 (protein tyrosine phosphatase non-receptor type 23; plus strand). Cytogenetic location: 3p21.31.
Variant type: single nucleotide variant.
Coding change: c.4067C>G on transcript NM_015466.4 (MANE Select); coding-DNA position 4067, C replaced by G.
Protein change: p.Pro1356Arg; replaces proline 1356 with arginine.
Molecular consequence: missense variant.
Genome position (GRCh38, 1-based): chr3:47,411,961, C>G. VCF-style: chr3-47411961-C-G. GRCh37 (hg19) VCF-style: chr3-47453451-C-G.
Other names: c.3689C>G, p.Pro1230Arg (NM_001304482.2); short protein forms P1230R, P1356R.
Identifiers: ClinVar variation 1717588 (VCV001717588.3), dbSNP rs2546256321, ClinGen allele CA352565178.